The following is an entry in ClinVar:

NM_001355436.2(SPTB):c.5651C>T (p.Ala1884Val)

Gene: SPTB (spectrin beta, erythrocytic; minus strand). Cytogenetic location: 14q23.3.
Variant type: single nucleotide variant.
Coding change: c.5651C>T on transcript NM_001355436.2 (MANE Select); coding-DNA position 5651, C replaced by T.
Protein change: p.Ala1884Val; replaces alanine 1884 with valine.
Molecular consequence: missense variant.
Genome position (GRCh38, 1-based): chr14:64,771,032, G>A on the plus strand (C>T on the coding strand, the complement: SPTB is on the minus strand). VCF-style: chr14-64771032-G-A. GRCh37 (hg19) VCF-style: chr14-65237750-G-A.
Other names: NM_000347.5:c.5651C>T; p.Ala1884Val; c.5651C>T (NM_001024858.2, NM_001355436.1); c.5651C>T, p.Ala1884Val (NM_001024858.4, NM_001355437.2); short protein forms A1884V.
Identifiers: ClinVar variation 279902 (VCV000279902.60), dbSNP rs148337824, ClinGen allele CA7229903.

ClinVar aggregate classification (germline): Conflicting classifications of pathogenicity. Review status: criteria provided, conflicting classifications (1 of 4 stars). 9 submissions from 9 submitters: Uncertain significance (3); Benign (1); Likely benign (2). 3 of the submissions do not count toward it. Last evaluated 2026-04-01.

Conditions:
SPTB-related disorder. Also called: SPTB-Related Disorders; SPTB-related condition.
Elliptocytosis 3 (EL3). Identifiers: MedGen C1866810, MONDO:0054780, OMIM 617948.

Allele frequency attached by ClinVar (database versions not stated): 1000 Genomes Project 0.00120; TOPMed 0.00135; 1000 Genomes Project 30x 0.00141; gnomAD exomes 0.00146 and 0.00189; gnomAD 0.00150 and 0.00157; ExAC 0.00160; ESP Exome Variant Server 0.00161.
gnomAD v4.1: 2,971 of 1,614,154 alleles (0.18%); highest among the groups gnomAD compares: South Asian, 0.28%; 6 homozygotes.

Submissions (9):

CeGaT Center for Human Genetics Tuebingen
Classification: Likely benign. Last evaluated: 2026-04-01. Review status: criteria provided, single submitter. Criteria: CeGaT Center For Human Genetics Tuebingen Variant Classification Criteria Version 2. Collection method: clinical testing. Allele origin: germline. Affected: yes. Observed: 7 variant alleles.
Comment: SPTB: PM5, BP4, BS2

Labcorp Genetics (formerly Invitae), Labcorp
Classification: Likely benign. Last evaluated: 2025-10-27. Review status: criteria provided, single submitter. Criteria: Invitae Variant Classification Sherloc (09022015). Collection method: clinical testing. Allele origin: germline.

Mayo Clinic Laboratories, Mayo Clinic
Classification: Uncertain significance. Last evaluated: 2025-06-10. Review status: criteria provided, single submitter. Criteria: ACMG Guidelines, 2015. Collection method: clinical testing. Allele origin: germline. Observed: 8 variant alleles.

ARUP Laboratories, Molecular Genetics and Genomics, ARUP Laboratories
Classification: Benign. Last evaluated: 2024-05-03. Review status: criteria provided, single submitter. Criteria: ARUP Molecular Germline Variant Investigation Process 2024. Collection method: clinical testing. Allele origin: germline.

GeneDx
Classification: Uncertain significance. Last evaluated: 2022-06-15. Review status: criteria provided, single submitter. Criteria: GeneDx Variant Classification Process June 2021. Collection method: clinical testing. Allele origin: germline. Affected: yes.
Comment: In silico analysis, which includes protein predictors and evolutionary conservation, supports a deleterious effect; This variant is associated with the following publications: (PMID: 22995991, 9887280, 30690801, 29396846, 34426522)

Baylor Genetics
Classification: Uncertain significance for Elliptocytosis 3. Last evaluated: 2020-03-09. Review status: criteria provided, single submitter. Criteria: ACMG Guidelines, 2015. Collection method: clinical testing. Allele origin: unknown. Affected: yes.
Comment: This variant was determined to be of uncertain significance according to ACMG Guidelines, 2015 [PMID:25741868].

PreventionGenetics, part of Exact Sciences
Classification: Likely benign for SPTB-related condition. Last evaluated: 2022-12-21. Review status: no assertion criteria provided. Collection method: clinical testing. Allele origin: germline. Not counted in ClinVar's aggregate classification.
Comment: This variant is classified as likely benign based on ACMG/AMP sequence variant interpretation guidelines (Richards et al. 2015 PMID: 25741868, with internal and published modifications).

Clinical Genetics DNA and cytogenetics Diagnostics Lab, Erasmus MC, Erasmus Medical Center
Classification: Likely benign. Review status: no assertion criteria provided. Collection method: clinical testing. Allele origin: germline. Affected: yes. Study: VKGL Data-share Consensus. Not counted in ClinVar's aggregate classification.

Genome Diagnostics Laboratory, University Medical Center Utrecht
Classification: Likely benign. Review status: no assertion criteria provided. Collection method: clinical testing. Allele origin: germline. Affected: yes. Study: VKGL Data-share Consensus. Not counted in ClinVar's aggregate classification.

Literature cited by the submitters: PubMed 19168783 (cited by Mayo Clinic Laboratories, Mayo Clinic); PubMed 29396846 (cited by Mayo Clinic Laboratories, Mayo Clinic); PubMed 37516005 (cited by Mayo Clinic Laboratories, Mayo Clinic); PubMed 9887280 (cited by Mayo Clinic Laboratories, Mayo Clinic).